The following is an entry in ClinVar:

ClinVar aggregate classification (germline): Uncertain significance (1 of 4 stars; one submission).

Conditions:
Familial thoracic aortic aneurysm and aortic dissection (TAAD). Also called: Thoracic aortic aneurysms and dissections. Identifiers: Orphanet 91387, MedGen C4707243, MONDO:0019625.

Submission:

Ambry Genetics
Classification: Uncertain significance for Familial thoracic aortic aneurysm and aortic dissection. Last evaluated: 2026-01-16. Review status: criteria provided, single submitter. Criteria: Ambry Variant Classification Scheme 2023. Collection method: clinical testing. Allele origin: germline.
Comment: The p.G1475R variant (also known as c.4423G>C), located in coding exon 35 of the FBN1 gene, results from a G to C substitution at nucleotide position 4423. The glycine at codon 1475 is replaced by arginine, an amino acid with dissimilar properties. This amino acid position is highly conserved in available vertebrate species. In addition, this alteration is predicted to be deleterious by in silico analysis. Based on the available evidence, the clinical significance of this variant remains unclear.

Literature cited by the submitters: PubMed 16220557; PubMed 25652356; PubMed 27906200.

NM_000138.5(FBN1):c.4423G>C (p.Gly1475Arg)

Gene: FBN1 (fibrillin 1; minus strand). Cytogenetic location: 15q21.1.
Variant type: single nucleotide variant.
Coding change: c.4423G>C on transcript NM_000138.5 (MANE Select); coding-DNA position 4423, G replaced by C.
Protein change: p.Gly1475Arg; replaces glycine 1475 with arginine.
Molecular consequence: missense variant.
Genome position (GRCh38, 1-based): chr15:48,470,670, C>G on the plus strand (G>C on the coding strand, the complement: FBN1 is on the minus strand). VCF-style: chr15-48470670-C-G. GRCh37 (hg19) VCF-style: chr15-48762867-C-G.
Other names: c.4423G>C, p.Gly1475Arg (NM_001406716.1); short protein forms G1475R.
Identifiers: ClinVar variation 1740497 (VCV001740497.3), dbSNP rs2505508417, ClinGen allele CA392354415.